The following is an entry in ClinVar:

NM_024642.5(GALNT12):c.106G>A (p.Val36Met)

Genes: GALNT12 (polypeptide N-acetylgalactosaminyltransferase 12; plus strand), LOC130002222 (ATAC-STARR-seq lymphoblastoid silent region 20123; plus strand). Cytogenetic location: 9q22.33.
Variant type: single nucleotide variant.
Coding change: c.106G>A on transcript NM_024642.5 (MANE Select); coding-DNA position 106, G replaced by A.
Protein change: p.Val36Met; replaces valine 36 with methionine.
Molecular consequence: missense variant.
Genome position (GRCh38, 1-based): chr9:98,807,804, G>A. VCF-style: chr9-98807804-G-A. GRCh37 (hg19) VCF-style: chr9-101570086-G-A.
Other names: c.106G>A (NM_024642.4); short protein forms V36M.
Identifiers: ClinVar variation 3892825 (VCV003892825.2).

ClinVar aggregate classification (germline): Uncertain significance. Review status: criteria provided, multiple submitters, no conflicts (2 of 4 stars). 2 submissions from 2 submitters: Uncertain significance (2). Last evaluated 2025-09-14.

Conditions:
Colorectal cancer, susceptibility to, 1. Also called: COLORECTAL ADENOMA AND CANCER, SUSCEPTIBILITY TO; COLORECTAL CANCER, SUSCEPTIBILITY TO, ON CHROMOSOME 9. Identifiers: MedGen C1837315, MONDO:0012132, OMIM 608812.

Submissions (2):

Ambry Genetics
Classification: Uncertain significance. Last evaluated: 2025-09-14. Review status: criteria provided, single submitter. Criteria: Ambry Variant Classification Scheme 2023. Collection method: clinical testing. Allele origin: germline.
Comment: The p.V36M variant (also known as c.106G>A), located in coding exon 1 of the GALNT12 gene, results from a G to A substitution at nucleotide position 106. The valine at codon 36 is replaced by methionine, an amino acid with highly similar properties. This amino acid position is conserved. In addition, this alteration is predicted to be tolerated by in silico analysis. Based on the available evidence, the clinical significance of this variant remains unclear.

Department of Pathology and Laboratory Medicine, Sinai Health System
Classification: Uncertain significance for Colorectal cancer, susceptibility to, 1. Last evaluated: 2021-10-14. Review status: criteria provided, single submitter. Criteria: ACMG Guidelines, 2015. Collection method: clinical testing. Allele origin: germline.